The following is an entry in ClinVar:

NM_173660.5(DOK7):c.472C>T (p.Arg158Trp)

Gene: DOK7 (docking protein 7; plus strand). Cytogenetic location: 4p16.3.
Variant type: single nucleotide variant.
Coding change: c.472C>T on transcript NM_173660.5 (MANE Select); coding-DNA position 472, C replaced by T.
Protein change: p.Arg158Trp; replaces arginine 158 with tryptophan.
Molecular consequence: missense variant. On other transcripts: intron variant (1).
Genome position (GRCh38, 1-based): chr4:3,476,482, C>T. VCF-style: chr4-3476482-C-T. GRCh37 (hg19) VCF-style: chr4-3478209-C-T.
Other names: c.472C>T, p.Arg158Trp (NM_001164673.2, NM_001301071.2); c.101-9057C>T (NM_001363811.2); short protein forms R158W.
Identifiers: ClinVar variation 643080 (VCV000643080.9), dbSNP rs753436594, ClinGen allele CA2829006.

ClinVar aggregate classification (germline): Conflicting classifications of pathogenicity. Review status: criteria provided, conflicting classifications (1 of 4 stars). 2 submissions from 2 submitters: Likely pathogenic (1); Uncertain significance (1). Last evaluated 2025-08-03.

Conditions:
Fetal akinesia deformation sequence 1 (FADS1). Also called: Fetal akinesia sequence; Pena-Shokeir syndrome type I. Identifiers: Orphanet 994, MedGen C1276035, MONDO:0100101, OMIM 208150, HP:0001989.
Congenital myasthenic syndrome 10. Also called: Myasthenia, limb-girdle, familial. Identifiers: Orphanet 590, MedGen C1850792, MONDO:0009690, OMIM 254300.

Allele frequency attached by ClinVar (database versions not stated): gnomAD 0.00001; gnomAD exomes 0.00001 and 0.00002; TOPMed 0.00001; ExAC 0.00002.
gnomAD v4.1: 13 of 1,613,750 alleles (0.00081%); highest among the groups gnomAD compares: Middle Eastern, 0.016%; no homozygotes.

Submissions (2):

Labcorp Genetics (formerly Invitae), Labcorp
Classification: Likely pathogenic for Congenital myasthenic syndrome 10; Fetal akinesia deformation sequence 1. Last evaluated: 2025-08-03. Review status: criteria provided, single submitter. Criteria: Invitae Variant Classification Sherloc (09022015). Collection method: clinical testing. Allele origin: germline.
Comment: This sequence change replaces arginine, which is basic and polar, with tryptophan, which is neutral and slightly polar, at codon 158 of the DOK7 protein (p.Arg158Trp). This variant is present in population databases (rs753436594, gnomAD 0.006%). This missense change has been observed in individuals with clinical features of congenital myasthenic syndrome (PMID: 25625551, 36308527, 37721175). ClinVar contains an entry for this variant (Variation ID: 643080). Invitae Evidence Modeling of protein sequence and biophysical properties (such as structural, functional, and spatial information, amino acid conservation, physicochemical variation, residue mobility, and thermodynamic stability) indicates that this missense variant is expected to disrupt DOK7 protein function with a positive predictive value of 80%. This variant disrupts the p.Arg158 amino acid residue in DOK7. Other variant(s) that disrupt this residue have been determined to be pathogenic (PMID: 17452375, 18165682, 20458068, 29118959). This suggests that this residue is clinically significant, and that variants that disrupt this residue are likely to be disease-causing. In summary, the currently available evidence indicates that the variant is pathogenic, but additional data are needed to prove that conclusively. Therefore, this variant has been classified as Likely Pathogenic.

Revvity Omics, Revvity
Classification: Uncertain significance. Last evaluated: 2023-06-08. Review status: criteria provided, single submitter. Criteria: ACMG Guidelines, 2015. Collection method: clinical testing. Allele origin: germline.

Literature cited by the submitters: PubMed 25625551 (cited by Labcorp Genetics (formerly Invitae), Labcorp); PubMed 36308527 (cited by Labcorp Genetics (formerly Invitae), Labcorp); PubMed 37721175 (cited by Labcorp Genetics (formerly Invitae), Labcorp); PubMed 17452375 (cited by Labcorp Genetics (formerly Invitae), Labcorp); PubMed 18165682 (cited by Labcorp Genetics (formerly Invitae), Labcorp); PubMed 20458068 (cited by Labcorp Genetics (formerly Invitae), Labcorp); PubMed 29118959 (cited by Labcorp Genetics (formerly Invitae), Labcorp).